The following is an entry in ClinVar:

NM_001267550.2(TTN):c.84246T>C (p.Asp28082=)

Genes: TTN (titin; minus strand), TTN-AS1 (TTN antisense RNA 1; plus strand). Cytogenetic location: 2q31.2.
Variant type: single nucleotide variant.
Coding change: c.84246T>C on transcript NM_001267550.2 (MANE Select); coding-DNA position 84246, T replaced by C.
Protein change: p.Asp28082=; no amino-acid change (aspartic acid 28082 retained).
Molecular consequence: synonymous variant.
Genome position (GRCh38, 1-based): chr2:178,561,886, A>G on the plus strand (T>C on the coding strand, the complement: TTN is on the minus strand). VCF-style: chr2-178561886-A-G. GRCh37 (hg19) VCF-style: chr2-179426613-A-G.
Other names: c.79323T>C, p.Asp26441= (NM_001256850.1); c.57051T>C, p.Asp19017= (NM_003319.4); c.76542T>C, p.Asp25514= (NM_133378.4); c.57426T>C, p.Asp19142= (NM_133432.3); c.57627T>C, p.Asp19209= (NM_133437.4).
Identifiers: ClinVar variation 1587557 (VCV001587557.33), dbSNP rs766028032, ClinGen allele CA1988807.

ClinVar aggregate classification (germline): Likely benign. Review status: criteria provided, multiple submitters, no conflicts (2 of 4 stars). 3 submissions from 3 submitters: Likely benign (3). Last evaluated 2025-12-08.

Conditions:
Autosomal recessive limb-girdle muscular dystrophy type 2J (LGMDR10). Also called: Limb-girdle muscular dystrophy, type 2J; MUSCULAR DYSTROPHY, LIMB-GIRDLE, AUTOSOMAL RECESSIVE 10. Identifiers: Orphanet 140922, MedGen C1837342, MONDO:0012127, OMIM 608807.
Dilated cardiomyopathy 1G (CMD1G). Identifiers: Orphanet 154, MedGen C1858763, MONDO:0011400, OMIM 604145.

Allele frequency attached by ClinVar (database versions not stated): gnomAD exomes below 0.00001; ExAC 0.00001; gnomAD 0.00001; TOPMed 0.00001.
gnomAD v4.1: 7 of 1,613,534 alleles (0.00043%); highest among the groups gnomAD compares: Non-Finnish European, 0.00042%; no homozygotes.

Submissions (3):

Labcorp Genetics (formerly Invitae), Labcorp
Classification: Likely benign for Dilated cardiomyopathy 1G; Autosomal recessive limb-girdle muscular dystrophy type 2J. Last evaluated: 2025-12-08. Review status: criteria provided, single submitter. Criteria: Invitae Variant Classification Sherloc (09022015). Collection method: clinical testing. Allele origin: germline.

CeGaT Center for Human Genetics Tuebingen
Classification: Likely benign. Last evaluated: 2025-05-01. Review status: criteria provided, single submitter. Criteria: CeGaT Center For Human Genetics Tuebingen Variant Classification Criteria Version 2. Collection method: clinical testing. Allele origin: germline. Affected: yes. Observed: 2 variant alleles.
Comment: TTN: BP4, BP7

ARUP Laboratories, Molecular Genetics and Genomics, ARUP Laboratories
Classification: Likely benign. Last evaluated: 2024-07-11. Review status: criteria provided, single submitter. Criteria: ARUP Molecular Germline Variant Investigation Process 2024. Collection method: clinical testing. Allele origin: germline.